The following is an entry in ClinVar:

ClinVar aggregate classification (germline): Benign (1 of 4 stars; one submission).

Conditions:
Amyotrophic lateral sclerosis type 6. Also called: FUS-Related Amyotrophic Laterial Sclerosis; AMYOTROPHIC LATERAL SCLEROSIS 6 WITHOUT FRONTOTEMPORAL DEMENTIA; Amyotrophic lateral sclerosis 6, with or without frontotemporal dementia. Identifiers: Orphanet 275872, Orphanet 803, MedGen C2931786, MONDO:0011951, OMIM 608030.

Allele frequency attached by ClinVar (database versions not stated): gnomAD exomes 0.00097 and 0.00091; 1000 Genomes Project 0.00100; 1000 Genomes Project 30x 0.00094; ExAC 0.00242; gnomAD below 0.00001 and 0.00009.
gnomAD v4.1: 327 of 487,884 alleles (0.067%); highest among the groups gnomAD compares: South Asian, 0.5%; 3 homozygotes.

Submission:

Illumina Laboratory Services, Illumina
Classification: Benign for Amyotrophic lateral sclerosis type 6. Last evaluated: 2018-01-13. Review status: criteria provided, single submitter. Criteria: ICSL Variant Classification Criteria 13 December 2019. Collection method: clinical testing. Allele origin: germline.
Comment: This variant was observed in the ICSL laboratory as part of a predisposition screen in an ostensibly healthy population. It had not been previously curated by ICSL or reported in the Human Gene Mutation Database (HGMD: prior to June 1st, 2018), and was therefore a candidate for classification through an automated scoring system. Utilizing variant allele frequency, disease prevalence and penetrance estimates, and inheritance mode, an automated score was calculated to assess if this variant is too frequent to cause the disease. Based on the score and internal cut-off values, a variant classified as benign is not then subjected to further curation. The score for this variant resulted in a classification of benign for this disease.

NM_004960.3(FUS):c.*3230A>G

Gene: FUS (FUS DNA/RNA binding protein; plus strand). Cytogenetic location: 16p11.2.
Variant type: single nucleotide variant.
Coding change: c.*3230A>G on transcript NM_004960.3; 3230 bases downstream of the stop codon, A replaced by G.
Molecular consequence: 3 prime UTR variant (on NM_001170634.1). On other transcripts: non-coding transcript variant (1).
Genome position (GRCh38, 1-based): chr16:31,194,668, A>G. VCF-style: chr16-31194668-A-G. GRCh37 (hg19) VCF-style: chr16-31205989-A-G.
Other names: c.*3230A>G (NM_001170634.1, NM_001170937.1).
Identifiers: ClinVar variation 319050 (VCV000319050.7), dbSNP rs550798081, ClinGen allele CA8024383.